The following is an entry in ClinVar:

ClinVar aggregate classification (germline): Uncertain significance. Review status: criteria provided, multiple submitters, no conflicts (2 of 4 stars). 2 submissions from 2 submitters: Uncertain significance (2). Last evaluated 2024-09-25.

Conditions:
Autoimmune lymphoproliferative syndrome, type III caused by mutation in PRKCD. Identifiers: Orphanet 3261, Orphanet 664711, MedGen C3809928, MONDO:8000024, OMIM 615559.

Allele frequency attached by ClinVar (database versions not stated): gnomAD exomes below 0.00001; TOPMed below 0.00001; gnomAD 0.00001.
gnomAD v4.1: 38 of 1,614,042 alleles (0.0024%); highest among the groups gnomAD compares: Non-Finnish European, 0.003%; no homozygotes.

Submissions (2):

Blueprint Genetics
Classification: Uncertain significance. Last evaluated: 2024-09-25. Review status: criteria provided, single submitter. Criteria: ACMG Guidelines, 2015. Collection method: clinical testing. Allele origin: germline.

Labcorp Genetics (formerly Invitae), Labcorp
Classification: Uncertain significance for Autoimmune lymphoproliferative syndrome, type III caused by mutation in PRKCD. Last evaluated: 2023-08-29. Review status: criteria provided, single submitter. Criteria: Invitae Variant Classification Sherloc (09022015). Collection method: clinical testing. Allele origin: germline.
Comment: An algorithm developed to predict the effect of missense changes on protein structure and function (PolyPhen-2) suggests that this variant is likely to be disruptive. This sequence change replaces threonine, which is neutral and polar, with serine, which is neutral and polar, at codon 211 of the PRKCD protein (p.Thr211Ser). This variant is present in population databases (no rsID available, gnomAD 0.0008%). This variant has not been reported in the literature in individuals affected with PRKCD-related conditions. ClinVar contains an entry for this variant (Variation ID: 1403495). In summary, the available evidence is currently insufficient to determine the role of this variant in disease. Therefore, it has been classified as a Variant of Uncertain Significance.

NM_006254.4(PRKCD):c.631A>T (p.Thr211Ser)

Gene: PRKCD (protein kinase C delta; plus strand). Cytogenetic location: 3p21.1.
Variant type: single nucleotide variant.
Coding change: c.631A>T on transcript NM_006254.4 (MANE Select); coding-DNA position 631, A replaced by T.
Protein change: p.Thr211Ser; replaces threonine 211 with serine.
Molecular consequence: missense variant.
Genome position (GRCh38, 1-based): chr3:53,183,180, A>T. VCF-style: chr3-53183180-A-T. GRCh37 (hg19) VCF-style: chr3-53217196-A-T.
Other names: c.631A>T, p.Thr211Ser (NM_001316327.2, NM_001354679.2, NM_001354680.2 and 1 more transcripts); c.688A>T, p.Thr230Ser (NM_001354676.2); c.679A>T, p.Thr227Ser (NM_001354678.2); short protein forms T230S, T227S, T211S.
Identifiers: ClinVar variation 1403495 (VCV001403495.5), dbSNP rs1252661978, ClinGen allele CA353219843.
Genomic context (GRCh38, chr3:53,183,180, plus strand): 5'-GAATGTAACGCTGCCATCCACAAGAAATGCATCGACAAGATCATCGGCAGATGCACTGGC[A>T]CCGCGGCCAACAGCCGGGACACTATAGTGAGCCTGGGTCCGGGGCAGGGCTGGGGATCTG-3'
Protein context (NP_006245.2, residues 201-221): IDKIIGRCTG[Thr211Ser]AANSRDTIFQ